The following is an entry in ClinVar:

ClinVar aggregate classification (germline): Uncertain significance (1 of 4 stars; one submission).

Submission:

Labcorp Genetics (formerly Invitae), Labcorp
Classification: Uncertain significance. Last evaluated: 2024-03-01. Review status: criteria provided, single submitter. Criteria: Invitae Variant Classification Sherloc (09022015). Collection method: clinical testing. Allele origin: germline.
Comment: This sequence change creates a premature translational stop signal (p.Val563Trpfs*25) in the ADGRA3 gene. It is expected to result in an absent or disrupted protein product. However, the current clinical and genetic evidence is not sufficient to establish whether loss-of-function variants in ADGRA3 cause disease. This variant is not present in population databases (gnomAD no frequency). This variant has not been reported in the literature in individuals affected with ADGRA3-related conditions. In summary, the available evidence is currently insufficient to determine the role of this variant in disease. Therefore, it has been classified as a Variant of Uncertain Significance.

NM_145290.4(ADGRA3):c.1686del (p.Val563fs)

Gene: ADGRA3 (adhesion G protein-coupled receptor A3; minus strand). Cytogenetic location: 4p15.2.
Variant type: Deletion.
Coding change: c.1686del on transcript NM_145290.4 (MANE Select); coding-DNA position 1686, one base deleted (A; older notation c.1686delA).
Protein change: p.Val563fs; shifts the reading frame from valine 563.
Molecular consequence: frameshift variant.
Genome position (GRCh38, 1-based): chr4:22,421,009, T deleted on the plus strand (A on the coding strand, the reverse complement: ADGRA3 is on the minus strand); the first of 3 consecutive T bases (chr4:22,421,009-22,421,011); deleting any one gives the same sequence. VCF-style (leftmost placement, unchanged base first): chr4-22421008-CT-C. GRCh37 (hg19) VCF-style: chr4-22422631-CT-C.
Other names: short protein forms V563fs.
Identifiers: ClinVar variation 3681762 (VCV003681762.2).